The following is an entry in ClinVar:

ClinVar aggregate classification (germline): Uncertain significance (1 of 4 stars; one submission).

Allele frequency attached by ClinVar (database versions not stated): gnomAD exomes below 0.00001.

Submission:

Labcorp Genetics (formerly Invitae), Labcorp
Classification: Uncertain significance. Last evaluated: 2021-08-27. Review status: criteria provided, single submitter. Criteria: Invitae Variant Classification Sherloc (09022015). Collection method: clinical testing. Allele origin: germline.
Comment: In summary, the available evidence is currently insufficient to determine the role of this variant in disease. Therefore, it has been classified as a Variant of Uncertain Significance. This variant has not been reported in the literature in individuals affected with ITGAM-related conditions. This variant is not present in population databases (ExAC no frequency). This sequence change results in a frameshift in the ITGAM gene (p.Pro1146Serfs*155). While this is not anticipated to result in nonsense mediated decay, it is expected to disrupt the last 7 amino acid(s) of the ITGAM protein and extend the protein by 147 additional amino acid residues.

NM_000632.4(ITGAM):c.3435dup (p.Pro1146fs)

Gene: ITGAM (integrin subunit alpha M; plus strand). Cytogenetic location: 16p11.2.
Variant type: Duplication.
Coding change: c.3435dup on transcript NM_000632.4 (MANE Select); coding-DNA position 3435, one base duplicated (T; older notation c.3435dupT).
Protein change: p.Pro1146fs; shifts the reading frame from proline 1146.
Molecular consequence: frameshift variant.
Genome position (GRCh38, 1-based): chr16:31,331,683, T duplicated. VCF-style (leftmost placement, unchanged base first): chr16-31331682-G-GT. GRCh37 (hg19) VCF-style: chr16-31343003-G-GT.
Other names: c.3438dup, p.Pro1147fs (NM_001145808.2); short protein forms P1146fs, P1147fs.
Identifiers: ClinVar variation 1377891 (VCV001377891.6), dbSNP rs2144513962, ClinGen allele CA2573152379.